The following is an entry in ClinVar:

NM_021922.3(FANCE):c.960T>A (p.Ser320Arg)

Gene: FANCE (FA complementation group E; plus strand). Cytogenetic location: 6p21.31.
Variant type: single nucleotide variant.
Coding change: c.960T>A on transcript NM_021922.3 (MANE Select); coding-DNA position 960, T replaced by A.
Protein change: p.Ser320Arg; replaces serine 320 with arginine.
Molecular consequence: missense variant.
Genome position (GRCh38, 1-based): chr6:35,457,975, T>A. VCF-style: chr6-35457975-T-A. GRCh37 (hg19) VCF-style: chr6-35425752-T-A.
Other names: short protein forms S320R.
Identifiers: ClinVar variation 998260 (VCV000998260.6), dbSNP rs201528578, ClinGen allele CA3771546.

ClinVar aggregate classification (germline): Uncertain significance. Review status: criteria provided, multiple submitters, no conflicts (2 of 4 stars). 3 submissions from 3 submitters: Uncertain significance (3). Last evaluated 2024-06-21.

Conditions:
Inborn genetic diseases. Identifiers: MedGen C0950123, MeSH D030342.
Fanconi anemia complementation group E (FANCE). Also called: FANCE-Related Fanconi Anemia. Identifiers: Orphanet 84, MedGen C3160739, MONDO:0010953, OMIM 600901.

Allele frequency attached by ClinVar (database versions not stated): gnomAD exomes below 0.00001 and 0.00001; ExAC 0.00002; gnomAD 0.00004; TOPMed 0.00004; ESP Exome Variant Server 0.00008; 1000 Genomes Project 30x 0.00016; 1000 Genomes Project 0.00020.
gnomAD v4.1: 10 of 1,614,048 alleles (0.00062%); highest among the groups gnomAD compares: African/African-American, 0.013%; no homozygotes.

Submissions (3):

Labcorp Genetics (formerly Invitae), Labcorp
Classification: Uncertain significance for Fanconi anemia complementation group E. Last evaluated: 2024-06-21. Review status: criteria provided, single submitter. Criteria: Invitae Variant Classification Sherloc (09022015). Collection method: clinical testing. Allele origin: germline.
Comment: This sequence change replaces serine, which is neutral and polar, with arginine, which is basic and polar, at codon 320 of the FANCE protein (p.Ser320Arg). This variant is present in population databases (rs201528578, gnomAD 0.007%). This variant has not been reported in the literature in individuals affected with FANCE-related conditions. ClinVar contains an entry for this variant (Variation ID: 998260). Advanced modeling of protein sequence and biophysical properties (such as structural, functional, and spatial information, amino acid conservation, physicochemical variation, residue mobility, and thermodynamic stability) performed at Invitae indicates that this missense variant is expected to disrupt FANCE protein function with a positive predictive value of 80%. In summary, the available evidence is currently insufficient to determine the role of this variant in disease. Therefore, it has been classified as a Variant of Uncertain Significance.

Ambry Genetics
Classification: Uncertain significance for Inborn genetic diseases. Last evaluated: 2021-11-08. Review status: criteria provided, single submitter. Criteria: Ambry Variant Classification Scheme 2023. Collection method: clinical testing. Allele origin: germline.

Baylor Genetics
Classification: Uncertain significance for Fanconi anemia complementation group E. Last evaluated: 2019-02-21. Review status: criteria provided, single submitter. Criteria: ACMG Guidelines, 2015. Collection method: clinical testing. Allele origin: unknown. Affected: yes. Study: CSER-TexasKidsCanSeq.
Comment: This variant was determined to be of uncertain significance according to ACMG Guidelines, 2015 [PMID:25741868].